The following is an entry in ClinVar:

NM_000044.6(AR):c.171GCA[12] (p.Gln70_Gln80del)

Genes: AR (androgen receptor; plus strand), LOC109504725 (androgen receptor repeat instability region; plus strand). Cytogenetic location: Xq12.
Variant type: Microsatellite.
Coding change: c.171GCA[12] on transcript NM_000044.6 (MANE Select); 12 copies in a row of the 3-base unit GCA starting at c.171; the reference has 23 copies in a row; 11 copies, 33 bases deleted.
Protein change: p.Gln70_Gln80del.
Molecular consequence: inframe deletion. On other transcripts: 5 prime UTR variant (1).
Genome position (GRCh38, 1-based): chrX:67,545,353-67,545,385, 33 bases deleted; deleting any 33 consecutive bases within chrX:67,545,317-67,545,385 gives the same sequence; the position shown is the placement nearest the transcript's 3' end. GRCh37 (hg19), VCF-style position (the base before the change): chrX:66,765,158.
Other names: c.207_239del33 (NM_000044.2, NM_000044.3); c.-1613GCA[12] (NM_001011645.3); c.171GCA[12], p.Gln70_Gln80del (NM_001348061.1, NM_001348063.1, NM_001348064.1).
Identifiers: ClinVar variation 509114 (VCV000509114.5), dbSNP rs3032358, ClinGen allele CA658799772.

ClinVar aggregate classification (germline): Likely benign. Review status: criteria provided, multiple submitters, no conflicts (2 of 4 stars). 3 submissions from 3 submitters: Likely benign (2). 1 of the submissions does not count toward it. Last evaluated 2024-10-24.

Conditions:
AR-related disorder. Also called: AR-related condition.

Submissions (3):

Blueprint Genetics
Classification: Likely benign. Last evaluated: 2024-10-24. Review status: criteria provided, single submitter. Criteria: ACMG Guidelines, 2015. Collection method: clinical testing. Allele origin: germline.

GeneDx
Classification: Likely benign. Last evaluated: 2019-11-11. Review status: criteria provided, single submitter. Criteria: GeneDx Variant Classification Process June 2021. Collection method: clinical testing. Allele origin: germline. Affected: yes.

PreventionGenetics, part of Exact Sciences
Classification: Likely benign for AR-related condition. Last evaluated: 2024-07-02. Review status: no assertion criteria provided. Collection method: clinical testing. Allele origin: germline. Not counted in ClinVar's aggregate classification.
Comment: This variant is classified as likely benign based on ACMG/AMP sequence variant interpretation guidelines (Richards et al. 2015 PMID: 25741868, with internal and published modifications).